The following is an entry in ClinVar:

ClinVar aggregate classification (germline): Uncertain significance. Review status: criteria provided, multiple submitters, no conflicts (2 of 4 stars). 2 submissions from 2 submitters: Uncertain significance (2). Last evaluated 2024-09-11.

Allele frequency attached by ClinVar (database versions not stated): TOPMed 0.00002; gnomAD 0.00005; ESP Exome Variant Server 0.00009; gnomAD exomes 0.00012; ExAC 0.00025.
gnomAD v4.1: 183 of 1,601,558 alleles (0.011%); highest among the groups gnomAD compares: South Asian, 0.19%; 4 homozygotes.

Submissions (2):

GeneDx
Classification: Uncertain significance. Last evaluated: 2024-09-11. Review status: criteria provided, single submitter. Criteria: GeneDx Variant Classification Process June 2021. Collection method: clinical testing. Allele origin: germline. Affected: yes.
Comment: In silico analysis supports that this missense variant has a deleterious effect on protein structure/function; Has not been previously published as pathogenic or benign to our knowledge

Labcorp Genetics (formerly Invitae), Labcorp
Classification: Uncertain significance. Last evaluated: 2022-09-18. Review status: criteria provided, single submitter. Criteria: Invitae Variant Classification Sherloc (09022015). Collection method: clinical testing. Allele origin: germline.
Comment: This sequence change replaces tyrosine, which is neutral and polar, with cysteine, which is neutral and slightly polar, at codon 149 of the LIPN protein (p.Tyr149Cys). This variant is present in population databases (rs369642607, gnomAD 0.2%), and has an allele count higher than expected for a pathogenic variant. This variant has not been reported in the literature in individuals affected with LIPN-related conditions. Algorithms developed to predict the effect of missense changes on protein structure and function (SIFT, PolyPhen-2, Align-GVGD) all suggest that this variant is likely to be disruptive. In summary, the available evidence is currently insufficient to determine the role of this variant in disease. Therefore, it has been classified as a Variant of Uncertain Significance.

NM_001102469.2(LIPN):c.446A>G (p.Tyr149Cys)

Gene: LIPN (lipase family member N; plus strand). Cytogenetic location: 10q23.31.
Variant type: single nucleotide variant.
Coding change: c.446A>G on transcript NM_001102469.2 (MANE Select); coding-DNA position 446, A replaced by G.
Protein change: p.Tyr149Cys; replaces tyrosine 149 with cysteine.
Molecular consequence: missense variant.
Genome position (GRCh38, 1-based): chr10:88,766,289, A>G. VCF-style: chr10-88766289-A-G. GRCh37 (hg19) VCF-style: chr10-90526046-A-G.
Other names: c.446A>G (NM_001102469.1); short protein forms Y149C.
Identifiers: ClinVar variation 2419798 (VCV002419798.6), dbSNP rs369642607, ClinGen allele CA5591870.